The following is an entry in ClinVar:

ClinVar aggregate classification (germline): Uncertain significance. Review status: criteria provided, multiple submitters, no conflicts (2 of 4 stars). 2 submissions from 2 submitters: Uncertain significance (2). Last evaluated 2024-11-28.

Conditions:
Inborn genetic diseases. Identifiers: MedGen C0950123, MeSH D030342.
Charcot-Marie-Tooth disease axonal type 2P. Also called: CHARCOT-MARIE-TOOTH NEUROPATHY, TYPE 2P; CHARCOT-MARIE-TOOTH DISEASE, AXONAL, TYPE 2G; CMT 2G; Charcot-Marie-Tooth Neuropathy Type 2G. Identifiers: Orphanet 300319, Orphanet 99941, MedGen C3280797, MONDO:0013753, OMIM 614436.

Submissions (2):

Labcorp Genetics (formerly Invitae), Labcorp
Classification: Uncertain significance for Charcot-Marie-Tooth disease axonal type 2P. Last evaluated: 2024-11-28. Review status: criteria provided, single submitter. Criteria: Invitae Variant Classification Sherloc (09022015). Collection method: clinical testing. Allele origin: germline.
Comment: This sequence change replaces histidine, which is basic and polar, with glutamine, which is neutral and polar, at codon 692 of the LRSAM1 protein (p.His692Gln). This variant is not present in population databases (gnomAD no frequency). This variant has not been reported in the literature in individuals affected with LRSAM1-related conditions. ClinVar contains an entry for this variant (Variation ID: 540002). Invitae Evidence Modeling of protein sequence and biophysical properties (such as structural, functional, and spatial information, amino acid conservation, physicochemical variation, residue mobility, and thermodynamic stability) indicates that this missense variant is expected to disrupt LRSAM1 protein function with a positive predictive value of 80%. In summary, the available evidence is currently insufficient to determine the role of this variant in disease. Therefore, it has been classified as a Variant of Uncertain Significance.

Ambry Genetics
Classification: Uncertain significance for Inborn genetic diseases. Last evaluated: 2023-07-25. Review status: criteria provided, single submitter. Criteria: Ambry Variant Classification Scheme 2023. Collection method: clinical testing. Allele origin: germline.

NM_001005373.4(LRSAM1):c.2076C>A (p.His692Gln)

Gene: LRSAM1 (leucine rich repeat and sterile alpha motif containing 1; plus strand). Cytogenetic location: 9q34.11.
Variant type: single nucleotide variant.
Coding change: c.2076C>A on transcript NM_001005373.4 (MANE Select); coding-DNA position 2076, C replaced by A.
Protein change: p.His692Gln; replaces histidine 692 with glutamine.
Molecular consequence: missense variant. On other transcripts: non-coding transcript variant (2).
Genome position (GRCh38, 1-based): chr9:127,502,803, C>A. VCF-style: chr9-127502803-C-A. GRCh37 (hg19) VCF-style: chr9-130265082-C-A.
Other names: c.2076C>A, p.His692Gln (NM_001005374.4, NM_001384142.1, NM_138361.5); c.1995C>A, p.His665Gln (NM_001190723.3); c.1977C>A, p.His659Gln (NM_001384143.1); c.1287C>A, p.His429Gln (NM_001384144.1); c.2076C>A (NM_138361.4); short protein forms H692Q, H665Q, H429Q, H659Q.
Identifiers: ClinVar variation 540002 (VCV000540002.11), dbSNP rs753650841, ClinGen allele CA374938654.